The following is an entry in ClinVar:

NM_001039213.4(CEACAM16):c.823C>T (p.Gln275Ter)

Genes: CEACAM16-AS1 (CEACAM16, CEACAM19 and PVR antisense RNA 1; minus strand), CEACAM16 (CEA cell adhesion molecule 16, tectorial membrane component; plus strand). Cytogenetic location: 19q13.32.
Variant type: single nucleotide variant.
Coding change: c.823C>T on transcript NM_001039213.4 (MANE Select); coding-DNA position 823, C replaced by T.
Protein change: p.Gln275Ter; replaces glutamine 275 with a stop codon.
Molecular consequence: nonsense.
Genome position (GRCh38, 1-based): chr19:44,705,751, C>T. VCF-style: chr19-44705751-C-T. GRCh37 (hg19) VCF-style: chr19-45209021-C-T.
Other names: short protein forms Q275*.
Identifiers: ClinVar variation 4855236 (VCV004855236.1).

ClinVar aggregate classification (germline): Pathogenic (1 of 4 stars; one submission).

Conditions:
Hearing loss, autosomal recessive 113. Also called: Deafness, autosomal recessive 113. Identifiers: MedGen C5193079, MONDO:0032732, OMIM 618410.

gnomAD v4.1: 3 of 1,614,016 alleles (0.00019%); highest among the groups gnomAD compares: Middle Eastern, 0.017%; 1 homozygote.

Submission:

3billion
Classification: Pathogenic for Hearing loss, autosomal recessive 113. Last evaluated: 2025-05-29. Review status: criteria provided, single submitter. Criteria: ACMG Guidelines, 2015. Collection method: clinical testing. Allele origin: germline. Affected: yes.
Comment: The variant is observed at an extremely low frequency in the gnomAD v4.1.0 dataset (total allele frequency: <0.001%). Predicted Consequence/Location: Stop-gained (nonsense): predicted to result in a loss or disruption of normal protein function through nonsense-mediated decay (NMD) or protein truncation. Multiple pathogenic variants are reported downstream of the variant. Therefore, this variant is classified as Pathogenic according to the recommendation of ACMG/AMP guideline.